The following is an entry in ClinVar:

NM_001370100.5(ZMYND11):c.790T>A (p.Leu264Met)

Gene: ZMYND11 (zinc finger MYND-type containing 11; plus strand). Cytogenetic location: 10p15.3.
Variant type: single nucleotide variant.
Coding change: c.790T>A on transcript NM_001370100.5 (MANE Select); coding-DNA position 790, T replaced by A.
Protein change: p.Leu264Met; replaces leucine 264 with methionine.
Molecular consequence: missense variant. On other transcripts: non-coding transcript variant (1), intron variant (1).
Genome position (GRCh38, 1-based): chr10:240,929, T>A. VCF-style: chr10-240929-T-A. GRCh37 (hg19) VCF-style: chr10-286869-T-A.
Other names: c.628T>A, p.Leu210Met (NM_001202464.3, NM_001202467.1, NM_001370103.2 and 6 more transcripts); c.535T>A, p.Leu179Met (NM_001202465.3, NM_001370110.2); c.625T>A, p.Leu209Met (NM_001202466.3, NM_001370111.2); c.790T>A, p.Leu264Met (NM_001202468.1, NM_001370097.3, NM_001370098.2 and 5 more transcripts); c.739T>A, p.Leu247Met (NM_001330057.3, NM_001370112.2); c.697T>A, p.Leu233Met (NM_001370113.2, NM_001370114.2); c.787T>A, p.Leu263Met (NM_001370115.2, NM_212479.4); c.724T>A, p.Leu242Met (NM_001370116.2); and 7 more; short protein forms L209M, L233M, L170M, L179M, L224M, L242M, L247M, L145M.
Identifiers: ClinVar variation 5009919 (VCV005009919.1).

ClinVar aggregate classification (germline): Uncertain significance (1 of 4 stars; one submission).

Submission:

GeneDx
Classification: Uncertain significance. Last evaluated: 2026-02-20. Review status: criteria provided, single submitter. Criteria: GeneDx Variant Classification Process June 2021. Collection method: clinical testing. Allele origin: germline.
Comment: Not observed at significant frequency in large population cohorts (gnomAD); In silico analysis suggests that this missense variant does not alter protein structure/function; Has not been previously published as pathogenic or benign to our knowledge